The following is an entry in ClinVar:

NM_000516.7(GNAS):c.393C>T (p.Ile131=)

Gene: GNAS (GNAS complex locus; plus strand). Cytogenetic location: 20q13.32.
Variant type: single nucleotide variant.
Coding change: c.393C>T on transcript NM_000516.7 (MANE Select); coding-DNA position 393, C replaced by T.
Protein change: p.Ile131=; no amino-acid change (isoleucine 131 retained).
Molecular consequence: synonymous variant. On other transcripts: 3 prime UTR variant (2).
Genome position (GRCh38, 1-based): chr20:58,903,752, C>T. VCF-style: chr20-58903752-C-T. GRCh37 (hg19) VCF-style: chr20-57478807-C-T.
Other names: c.396C>T, p.Ile132= (NM_001077488.5); c.348C>T, p.Ile116= (NM_001077489.4); c.*254C>T (NM_001077490.3); c.216C>T, p.Ile72= (NM_001309840.2, NM_001309861.2); c.*299C>T (NM_016592.5); c.2322C>T, p.Ile774= (NM_080425.4); c.351C>T, p.Ile117= (NM_080426.4).
Identifiers: ClinVar variation 197681 (VCV000197681.27), dbSNP rs7121, ClinGen allele CA203018.

ClinVar aggregate classification (germline): Benign. Review status: criteria provided, multiple submitters, no conflicts (2 of 4 stars). 16 submissions from 12 submitters: Benign (13). 3 of the submissions do not count toward it. Last evaluated 2026-02-04.

Conditions:
Pseudohypoparathyroidism type I A (PHP1A). Also called: PHP IA; Pseudohypoparathyroidism Type IA; ALBRIGHT HEREDITARY OSTEODYSTROPHY WITH MULTIPLE HORMONE RESISTANCE; Pseudohypoparathyroidism type 1A; Pseudohypoparathyroidism Ia (PHP-Ia). Identifiers: Orphanet 79443, MedGen C3494506, MONDO:0007078, OMIM 103580.
Progressive osseous heteroplasia (POH). Also called: Osseus Heteroplasia, Progressive; ECTOPIC OSSIFICATION, FAMILIAL; Progressive Osseus Heteroplasia (POH); Osteoma cutis. Identifiers: Orphanet 2762, MedGen C0334041, MONDO:0008153, OMIM 166350, HP:0025027.
Pseudohypoparathyroidism type 1C (PHP1C). Also called: Pseudohypoparathyroidism Ic (PHP-Ic); PHP IC; PSEUDOHYPOPARATHYROIDISM, TYPE IC. Identifiers: Orphanet 79444, MedGen C2932716, MONDO:0012911, OMIM 612462.
Pseudopseudohypoparathyroidism (PPHP). Also called: Pseudopseudohypoparathyroidism (PPHP); ALBRIGHT HEREDITARY OSTEODYSTROPHY WITHOUT MULTIPLE HORMONE RESISTANCE. Identifiers: Orphanet 79445, MedGen C0033835, MONDO:0012912, OMIM 612463.
Early onset severe obesity. Identifiers: MedGen C4013980.
Pseudohypoparathyroidism type 1B (PHP1B). Also called: PHP IB; Pseudohypoparathyroidism Type IB; Pseudohypoparathyroidism Ib (PHP-Ib). Identifiers: Orphanet 94089, MedGen C1864100, MONDO:0011301, OMIM 603233.

Allele frequency attached by ClinVar (database versions not stated): gnomAD exomes 0.49255 and 0.54343; ExAC 0.54733; gnomAD 0.56988 and 0.57241; ESP Exome Variant Server 0.57942; TOPMed 0.59791; 1000 Genomes Project 30x 0.64304; 1000 Genomes Project 0.64437.
gnomAD v4.1: 808,873 of 1,612,326 alleles (50%); highest among the groups gnomAD compares: African/African-American, 76%; 209,225 homozygotes.

Submissions (16):

Labcorp Genetics (formerly Invitae), Labcorp
Classification: Benign. Last evaluated: 2026-02-04. Review status: criteria provided, single submitter. Criteria: Invitae Variant Classification Sherloc (09022015). Collection method: clinical testing. Allele origin: germline.

Center for Genomic Medicine, Rigshospitalet, Copenhagen University Hospital
Classification: Benign. Last evaluated: 2025-03-04. Review status: criteria provided, single submitter. Criteria: ACMG Guidelines, 2015. Collection method: clinical testing. Allele origin: germline.

Blueprint Genetics
Classification: Benign. Last evaluated: 2024-11-28. Review status: criteria provided, single submitter. Criteria: ACMG Guidelines, 2015. Collection method: clinical testing. Allele origin: germline.

Cambridge Genomics Laboratory, East Genomic Laboratory Hub, NHS Genomic Medicine Service
Classification: Benign for Severe early-onset obesity. Last evaluated: 2023-08-09. Review status: criteria provided, single submitter. Criteria: ACGS Best Practice Guidelines for Variant Classification in Rare Disease 2020. Collection method: clinical testing. Allele origin: germline. Affected: yes.
Comment: The p.(Ile774=) variant is observed in 13.745/21.640 (63.5166%) alleles from individuals of gnomAD European Finnish background in gnomAD All. The p.(Ile774=) variant is observed in 1.781/5.008 (35.5631%) alleles from individuals of 1kG All background in 1kG All. The p.(Ile774=) variant is observed in 6.762/10.524 (64.2531%) alleles from individuals of gnomAD Genomes v3 European Finnish background in gnomAD Genomes v3. The minor allele of 'C' in gnomAD All, 1kG All, and gnomAD Genomes v3. It is also the reference allele in the genome assembly, indicating it is a common benign variant. (BA1 - Standalone) | The p.(Ile774=) variant is not predicted to disrupt an existing splice site. The p.(Ile774=) variant results in a substitution of a base that is not predicted conserved by GERP++ and PhyloP. (BP7 - Supporting)

Genome-Nilou Lab
Classification: Benign for Progressive osseous heteroplasia. Last evaluated: 2021-08-10. Review status: criteria provided, single submitter. Criteria: ACMG Guidelines, 2015. Collection method: clinical testing. Allele origin: germline. Affected: no.

Genome-Nilou Lab
Classification: Benign for Pseudohypoparathyroidism type I A. Last evaluated: 2021-08-10. Review status: criteria provided, single submitter. Criteria: ACMG Guidelines, 2015. Collection method: clinical testing. Allele origin: germline. Affected: no.

Genome-Nilou Lab
Classification: Benign for Pseudohypoparathyroidism type 1B. Last evaluated: 2021-08-10. Review status: criteria provided, single submitter. Criteria: ACMG Guidelines, 2015. Collection method: clinical testing. Allele origin: germline. Affected: no.

Genome-Nilou Lab
Classification: Benign for Pseudohypoparathyroidism type 1C. Last evaluated: 2021-08-10. Review status: criteria provided, single submitter. Criteria: ACMG Guidelines, 2015. Collection method: clinical testing. Allele origin: germline. Affected: no.

Genome-Nilou Lab
Classification: Benign for Pseudopseudohypoparathyroidism. Last evaluated: 2021-08-10. Review status: criteria provided, single submitter. Criteria: ACMG Guidelines, 2015. Collection method: clinical testing. Allele origin: germline. Affected: no.

GeneDx
Classification: Benign. Last evaluated: 2018-10-16. Review status: criteria provided, single submitter. Criteria: GeneDx Variant Classification Process June 2021. Collection method: clinical testing. Allele origin: germline. Affected: yes.
Comment: This variant is associated with the following publications: (PMID: 10406816, 17388805)

Laboratory for Molecular Medicine, Mass General Brigham Personalized Medicine
Classification: Benign. Last evaluated: 2016-03-21. Review status: criteria provided, single submitter. Criteria: LMM Criteria. Collection method: clinical testing. Allele origin: germline. Observed: 1 variant allele.
Comment: p.Ile774Ile in exon 5 of GNAS: This variant is not expected to have clinical sig nificance because it does not alter an amino acid residue, is not located within the splice consensus sequence, and has been identified in 81.39% (1076/1322) of African chromosomes by the 1000 Genomes Project (Phase 3; dbSNP rs7121).

Eurofins Ntd Llc (ga)
Classification: Benign. Last evaluated: 2014-10-13. Review status: criteria provided, single submitter. Criteria: EGL Classification Definitions 2015. Collection method: clinical testing. Allele origin: germline. Observed: 1 variant allele, 1 heterozygote.

Breakthrough Genomics
Classification: Benign. Review status: criteria provided, single submitter. Criteria: ACMG Guidelines, 2015. Collection method: not provided. Allele origin: germline. Inheritance: Autosomal dominant inheritance. Affected: yes.

Clinical Genetics, Academic Medical Center
Classification: Benign. Review status: no assertion criteria provided. Collection method: clinical testing. Allele origin: germline. Affected: yes. Study: VKGL Data-share Consensus. Not counted in ClinVar's aggregate classification.

Diagnostic Laboratory, Department of Genetics, University Medical Center Groningen
Classification: Benign. Review status: no assertion criteria provided. Collection method: clinical testing. Allele origin: germline. Affected: yes. Study: VKGL Data-share Consensus. Not counted in ClinVar's aggregate classification.

Genome Diagnostics Laboratory, University Medical Center Utrecht
Classification: Benign. Review status: no assertion criteria provided. Collection method: clinical testing. Allele origin: germline. Affected: yes. Study: VKGL Data-share Consensus. Not counted in ClinVar's aggregate classification.